The following is an entry in ClinVar:

ClinVar aggregate classification (germline): Uncertain significance (1 of 4 stars; one submission).

Conditions:
Leber congenital amaurosis 3 (LCA3). Also called: SPATA7-Related Retinitis Pigmentosa. Identifiers: MedGen C1858677, MONDO:0011415, OMIM 604232.

Allele frequency attached by ClinVar (database versions not stated): gnomAD exomes below 0.00001; ExAC 0.00001.
gnomAD v4.1: 1 of 1,607,842 alleles (0.000062%); highest among the groups gnomAD compares: Admixed American, 0.0017%; no homozygotes.

Submission:

Labcorp Genetics (formerly Invitae), Labcorp
Classification: Uncertain significance for Leber congenital amaurosis 3. Last evaluated: 2022-11-21. Review status: criteria provided, single submitter. Criteria: Invitae Variant Classification Sherloc (09022015). Collection method: clinical testing. Allele origin: germline.
Comment: This sequence change replaces alanine, which is neutral and non-polar, with threonine, which is neutral and polar, at codon 109 of the SPATA7 protein (p.Ala109Thr). In summary, the available evidence is currently insufficient to determine the role of this variant in disease. Therefore, it has been classified as a Variant of Uncertain Significance. Advanced modeling of protein sequence and biophysical properties (such as structural, functional, and spatial information, amino acid conservation, physicochemical variation, residue mobility, and thermodynamic stability) performed at Invitae indicates that this missense variant is not expected to disrupt SPATA7 protein function. ClinVar contains an entry for this variant (Variation ID: 1519113). This variant has not been reported in the literature in individuals affected with SPATA7-related conditions. This variant is present in population databases (rs766157792, gnomAD 0.003%).

NM_018418.5(SPATA7):c.325G>A (p.Ala109Thr)

Gene: SPATA7 (spermatogenesis associated 7; plus strand). Cytogenetic location: 14q31.3.
Variant type: single nucleotide variant.
Coding change: c.325G>A on transcript NM_018418.5 (MANE Select); coding-DNA position 325, G replaced by A.
Protein change: p.Ala109Thr; replaces alanine 109 with threonine.
Molecular consequence: missense variant.
Genome position (GRCh38, 1-based): chr14:88,416,797, G>A. VCF-style: chr14-88416797-G-A. GRCh37 (hg19) VCF-style: chr14-88883141-G-A.
Other names: c.229G>A, p.Ala77Thr (NM_001040428.4); short protein forms A77T, A109T.
Identifiers: ClinVar variation 1519113 (VCV001519113.8), dbSNP rs766157792, ClinGen allele CA7298496.